The following is an entry in ClinVar:

ClinVar aggregate classification (germline): Pathogenic/Likely pathogenic. Review status: criteria provided, multiple submitters, no conflicts (2 of 4 stars). 2 submissions from 2 submitters: Pathogenic (1); Likely pathogenic (1). Last evaluated 2023-10-20.

Conditions:
Walker-Warburg congenital muscular dystrophy. Also called: Muscular dystrophy-dystroglycanopathy, type A; Walker-Warburg syndrome. Identifiers: Orphanet 899, MedGen C0265221, MONDO:0000171.
Autosomal recessive limb-girdle muscular dystrophy type 2K. Also called: MUSCULAR DYSTROPHY, LIMB-GIRDLE, TYPE 2K; MUSCULAR DYSTROPHY-DYSTROGLYCANOPATHY (LIMB-GIRDLE), TYPE C, 1. Identifiers: Orphanet 86812, MedGen C1836373, MONDO:0012248, OMIM 609308.
Muscular dystrophy-dystroglycanopathy (congenital with impaired intellectual development), type B, 1. Also called: MUSCULAR DYSTROPHY, CONGENITAL, POMT1-RELATED; Muscular dystrophy-dystroglycanopathy (congenital with intellectual disability), type B1. Identifiers: MedGen C5436962, MONDO:0013159, OMIM 613155.
Muscular dystrophy-dystroglycanopathy (congenital with brain and eye anomalies), type A1 (MDDGA1). Also called: WALKER-WARBURG SYNDROME OR MUSCLE-EYE-BRAIN DISEASE, POMT1-RELATED; Hydrocephalus, agyria and retinal dysplasia; Hard +/- E syndrome; Warburg syndrome; Chemke syndrome; Pagon syndrome. Identifiers: Orphanet 588, Orphanet 899, MedGen C4284790, MONDO:0009364, OMIM 236670.

Allele frequency attached by ClinVar (database versions not stated): gnomAD exomes 0.00002; ExAC 0.00003.

Submissions (2):

Labcorp Genetics (formerly Invitae), Labcorp
Classification: Pathogenic for Muscular dystrophy-dystroglycanopathy (congenital with impaired intellectual development), type B, 1; Walker-Warburg congenital muscular dystrophy; Autosomal recessive limb-girdle muscular dystrophy type 2K. Last evaluated: 2023-10-20. Review status: criteria provided, single submitter. Criteria: Invitae Variant Classification Sherloc (09022015). Collection method: clinical testing. Allele origin: germline.
Comment: This sequence change creates a premature translational stop signal (p.Leu139*) in the POMT1 gene. It is expected to result in an absent or disrupted protein product. Loss-of-function variants in POMT1 are known to be pathogenic (PMID: 12369018, 15637732, 16575835). This variant is present in population databases (rs746696167, gnomAD 0.003%). This variant has not been reported in the literature in individuals affected with POMT1-related conditions. ClinVar contains an entry for this variant (Variation ID: 864585). Algorithms developed to predict the effect of sequence changes on RNA splicing suggest that this variant may disrupt the consensus splice site. For these reasons, this variant has been classified as Pathogenic.

Baylor Genetics
Classification: Likely pathogenic for Muscular dystrophy-dystroglycanopathy (congenital with brain and eye anomalies), type A1. Last evaluated: 2023-08-15. Review status: criteria provided, single submitter. Criteria: ACMG Guidelines, 2015. Collection method: clinical testing. Allele origin: unknown.

Literature cited by the submitters: PubMed 12369018 (cited by Labcorp Genetics (formerly Invitae), Labcorp); PubMed 15637732 (cited by Labcorp Genetics (formerly Invitae), Labcorp); PubMed 16575835 (cited by Labcorp Genetics (formerly Invitae), Labcorp).

NM_001077365.2(POMT1):c.414del (p.Leu138_Leu139insTer)

Gene: POMT1 (protein O-mannosyltransferase 1; plus strand). Cytogenetic location: 9q34.13.
Variant type: Deletion.
Coding change: c.414del on transcript NM_001077365.2 (MANE Select); coding-DNA position 414, one base deleted (G; older notation c.414delG).
Protein change: p.Leu138_Leu139insTer.
Molecular consequence: frameshift variant. On other transcripts: non-coding transcript variant (9), intron variant (2).
Genome position (GRCh38, 1-based): chr9:131,507,501, G deleted. VCF-style (leftmost placement, unchanged base first): chr9-131507500-TG-T. GRCh37 (hg19) VCF-style: chr9-134382887-TG-T.
Other names: c.252del, p.Leu84_Leu85insTer (NM_001077366.2, NM_001353194.2, NM_001353197.2 and 3 more transcripts); c.414del, p.Leu138_Leu139insTer (NM_001136113.2, NM_001353193.2, NM_001374690.1 and 1 more transcripts); c.63del, p.Leu21_Leu22insTer (NM_001136114.2, NM_001353195.2, NM_001353199.2 and 2 more transcripts); c.324del, p.Leu108_Leu109insTer (NM_001353196.2); c.-29-1410del (NM_001374695.1); c.-30+1048del (NM_001353200.2).
Identifiers: ClinVar variation 864585 (VCV000864585.5), dbSNP rs746696167, ClinGen allele CA5293252.